The following is an entry in ClinVar:

ClinVar aggregate classification (germline): Uncertain significance (1 of 4 stars; one submission).

Allele frequency attached by ClinVar (database versions not stated): ExAC 0.00001; gnomAD 0.00001; gnomAD exomes below 0.00001; 1000 Genomes Project 0.00020; 1000 Genomes Project 30x 0.00016.
gnomAD v4.1: 3 of 1,614,018 alleles (0.00019%); highest among the groups gnomAD compares: South Asian, 0.0022%; no homozygotes.

Submission:

Labcorp Genetics (formerly Invitae), Labcorp
Classification: Uncertain significance. Last evaluated: 2025-11-04. Review status: criteria provided, single submitter. Criteria: Invitae Variant Classification Sherloc (09022015). Collection method: clinical testing. Allele origin: germline.
Comment: This sequence change replaces serine, which is neutral and polar, with asparagine, which is neutral and polar, at codon 1514 of the ARFGEF2 protein (p.Ser1514Asn). This variant is present in population databases (rs571333777, gnomAD 0.003%). This variant has not been reported in the literature in individuals affected with ARFGEF2-related conditions. ClinVar contains an entry for this variant (Variation ID: 1474829). An algorithm developed to predict the effect of missense changes on protein structure and function (PolyPhen-2) suggests that this variant is likely to be tolerated. In summary, the available evidence is currently insufficient to determine the role of this variant in disease. Therefore, it has been classified as a Variant of Uncertain Significance.

NM_006420.3(ARFGEF2):c.4541G>A (p.Ser1514Asn)

Gene: ARFGEF2 (ARF guanine nucleotide exchange factor 2; plus strand). Cytogenetic location: 20q13.13.
Variant type: single nucleotide variant.
Coding change: c.4541G>A on transcript NM_006420.3 (MANE Select); coding-DNA position 4541, G replaced by A.
Protein change: p.Ser1514Asn; replaces serine 1514 with asparagine.
Molecular consequence: missense variant.
Genome position (GRCh38, 1-based): chr20:49,018,915, G>A. VCF-style: chr20-49018915-G-A. GRCh37 (hg19) VCF-style: chr20-47635452-G-A.
Other names: short protein forms S1514N.
Identifiers: ClinVar variation 1474829 (VCV001474829.8), dbSNP rs571333777, ClinGen allele CA9899253.